The following is an entry in ClinVar:

NM_001004051.4(GPRASP2):c.1263C>T (p.Ser421=)

Genes: ARMCX5-GPRASP2 (ARMCX5-GPRASP2 readthrough; plus strand), GPRASP2 (G protein-coupled receptor associated sorting protein 2; plus strand). Cytogenetic location: Xq22.1.
Variant type: single nucleotide variant.
Coding change: c.1263C>T on transcript NM_001004051.4 (MANE Select); coding-DNA position 1263, C replaced by T.
Protein change: p.Ser421=; no amino-acid change (serine 421 retained).
Molecular consequence: synonymous variant. On other transcripts: intron variant (3).
Genome position (GRCh38, 1-based): chrX:102,716,132, C>T. VCF-style: chrX-102716132-C-T. GRCh37 (hg19) VCF-style: chrX-101971060-C-T.
Other names: c.1263C>T, p.Ser421= (NM_001199818.1, NM_001184874.3, NM_001184875.3 and 2 more transcripts); c.-820+1866C>T (NM_001350268.2); c.-752+1866C>T (NM_001350269.2); c.-721+1866C>T (NM_001350270.1).
Identifiers: ClinVar variation 754282 (VCV000754282.27), dbSNP rs752558430, ClinGen allele CA10476558.
Genomic context (GRCh38, chrX:102,716,132, plus strand): 5'-TGGAGCTTCAGCAATCTGTGAATCTGAGCCAGGAACTGAGGAGGGGGCCATTGGCGGATC[C>T]GCGTACTGGGCTGAGGAAAAGTCCAGTTTGGGGGCTGTGGCCAGAGAAGAGGCCAAGCCG-3'
Protein context (NP_001004051.1, residues 411-431): PGTEEGAIGG[Ser421=]AYWAEEKSSL

ClinVar aggregate classification (germline): Likely benign. Review status: criteria provided, multiple submitters, no conflicts (2 of 4 stars). 2 submissions from 2 submitters: Likely benign (2). Last evaluated 2023-04-01.

Allele frequency attached by ClinVar (database versions not stated): gnomAD 0.00001 and 0.00002; TOPMed 0.00002.
gnomAD v4.1: 46 of 1,194,643 alleles (0.0039%); highest among the groups gnomAD compares: East Asian, 0.024%; no homozygotes.

Submissions (2):

CeGaT Center for Human Genetics Tuebingen
Classification: Likely benign. Last evaluated: 2023-04-01. Review status: criteria provided, single submitter. Criteria: CeGaT Center For Human Genetics Tuebingen Variant Classification Criteria Version 2. Collection method: clinical testing. Allele origin: germline. Affected: yes. Observed: 1 variant allele.
Comment: GPRASP2: BP4, BP7, BS2

Labcorp Genetics (formerly Invitae), Labcorp
Classification: Likely benign. Last evaluated: 2018-09-12. Review status: criteria provided, single submitter. Criteria: Invitae Variant Classification Sherloc (09022015). Collection method: clinical testing. Allele origin: germline.